The following is an entry in ClinVar:

ClinVar aggregate classification (germline): Uncertain significance (1 of 4 stars; one submission).

Conditions:
Common variable immunodeficiency (CVID). Also called: Common variable hypogamma-globulinemia; Common variable agammaglobulinemia. Identifiers: Orphanet 1572, MedGen C0009447, MONDO:0015517.

Allele frequency attached by ClinVar (database versions not stated): gnomAD exomes below 0.00001.

Submission:

Labcorp Genetics (formerly Invitae), Labcorp
Classification: Uncertain significance for Common variable immunodeficiency. Last evaluated: 2024-12-03. Review status: criteria provided, single submitter. Criteria: Invitae Variant Classification Sherloc (09022015). Collection method: clinical testing. Allele origin: germline.
Comment: This sequence change replaces leucine, which is neutral and non-polar, with valine, which is neutral and non-polar, at codon 30 of the TNFSF12 protein (p.Leu30Val). This variant is not present in population databases (gnomAD no frequency). This variant has not been reported in the literature in individuals affected with TNFSF12-related conditions. ClinVar contains an entry for this variant (Variation ID: 1435998). An algorithm developed to predict the effect of missense changes on protein structure and function (PolyPhen-2) suggests that this variant is likely to be tolerated. In summary, the available evidence is currently insufficient to determine the role of this variant in disease. Therefore, it has been classified as a Variant of Uncertain Significance.

NM_003809.3(TNFSF12):c.88C>G (p.Leu30Val)

Genes: TNFSF12 (TNF superfamily member 12; plus strand), TNFSF12-TNFSF13 (TNFSF12-TNFSF13 readthrough; plus strand), LOC130060153 (ATAC-STARR-seq lymphoblastoid silent region 8127; plus strand). Cytogenetic location: 17p13.1.
Variant type: single nucleotide variant.
Coding change: c.88C>G on transcript NM_003809.3 (MANE Select); coding-DNA position 88, C replaced by G.
Protein change: p.Leu30Val; replaces leucine 30 with valine.
Molecular consequence: missense variant. On other transcripts: non-coding transcript variant (1).
Genome position (GRCh38, 1-based): chr17:7,549,241, C>G. VCF-style: chr17-7549241-C-G. GRCh37 (hg19) VCF-style: chr17-7452558-C-G.
Other names: c.88C>G, p.Leu30Val (NM_172089.4); short protein forms L30V.
Identifiers: ClinVar variation 1435998 (VCV001435998.8), dbSNP rs1230643396, ClinGen allele CA397853580.
Genomic context (GRCh38, chr17:7,549,241, plus strand): 5'-AGGGGGCGCCGGGGGGAGCCGGGCACCGCCCTGCTGGTCCCGCTCGCGCTGGGCCTGGGC[C>G]TGGCGCTGGCCTGCCTCGGCCTCCTGCTGGCCGTGGTCAGTTTGGGGAGCCGGGCATCGC-3'
Protein context (NP_003800.1, residues 20-40): LLVPLALGLG[Leu30Val]ALACLGLLLA